The following is an entry in ClinVar:

NM_022552.5(DNMT3A):c.176dup (p.Val60fs)

Gene: DNMT3A (DNA methyltransferase 3 alpha; minus strand). Cytogenetic location: 2p23.3.
Variant type: Duplication.
Coding change: c.176dup on transcript NM_022552.5 (MANE Select); coding-DNA position 176, one base duplicated (C; older notation c.176dupC).
Protein change: p.Val60fs; shifts the reading frame from valine 60.
Molecular consequence: frameshift variant. On other transcripts: non-coding transcript variant (1).
Genome position (GRCh38, 1-based): chr2:25,300,140, G duplicated on the plus strand (C on the coding strand, the reverse complement: DNMT3A is on the minus strand); the first of 6 consecutive G bases (chr2:25,300,140-25,300,145); duplicating any one gives the same sequence. VCF-style (leftmost placement, unchanged base first): chr2-25300139-C-CG. GRCh37 (hg19) VCF-style: chr2-25523008-C-CG.
Other names: c.176dupC (NM_022552.5, NM_175629.2); c.176dup, p.Val60fs (NM_001320892.2, NM_175629.2, NM_175630.1); short protein forms V60fs.
Identifiers: ClinVar variation 1183858 (VCV001183858.3), dbSNP rs769876640, ClinGen allele CA1556541.

ClinVar aggregate classification (germline): Pathogenic. Review status: criteria provided, multiple submitters, no conflicts (2 of 4 stars). 2 submissions from 2 submitters: Pathogenic (2). Last evaluated 2025-10-08.

Conditions:
Tatton-Brown-Rahman overgrowth syndrome. Also called: Tatton-Brown-Rahman syndrome; Tall stature-intellectual disability-facial dysmorphism syndrome. Identifiers: Orphanet 404443, MedGen C4014545, MONDO:0014382, OMIM 615879.

Submissions (2):

Women's Health and Genetics/Laboratory Corporation of America, LabCorp
Classification: Pathogenic for Tatton-Brown-Rahman overgrowth syndrome. Last evaluated: 2025-10-08. Review status: criteria provided, single submitter. Criteria: LabCorp Variant Classification Summary - May 2015. Collection method: clinical testing. Allele origin: germline.
Comment: Variant summary: DNMT3A c.176dupC (p.Val60GlyfsX5) results in a premature termination codon, predicted to cause a truncation of the encoded protein or absence of the protein due to nonsense mediated decay, which are commonly known mechanisms for disease. Consensus agreement among computation tools predict no significant impact on normal splicing. However, these predictions have yet to be confirmed by functional studies. The variant allele was found at a frequency of 1.2e-06 in 1612958 control chromosomes. To our knowledge, no occurrence of c.176dupC in individuals affected with DNMT3A-related conditions and no experimental evidence demonstrating its impact on protein function have been reported. ClinVar contains an entry for this variant (Variation ID: 1183858). Based on the evidence outlined above, the variant was classified as pathogenic.

GeneDx
Classification: Pathogenic. Last evaluated: 2019-04-10. Review status: criteria provided, single submitter. Criteria: GeneDx Variant Classification Process June 2021. Collection method: clinical testing. Allele origin: germline. Affected: yes.
Comment: Frameshift variant predicted to result in protein truncation or nonsense mediated decay in a gene for which loss-of-function is a known mechanism of disease; Not observed in large population cohorts (Lek et al., 2016); Has not been previously published as pathogenic or benign to our knowledge

Literature cited by the submitters: PubMed 27288520 (cited by Women's Health and Genetics/Laboratory Corporation of America, LabCorp); PubMed 23632886 (cited by Women's Health and Genetics/Laboratory Corporation of America, LabCorp); PubMed 23341344 (cited by Women's Health and Genetics/Laboratory Corporation of America, LabCorp); PubMed 22077061 (cited by Women's Health and Genetics/Laboratory Corporation of America, LabCorp); PubMed 25172541 (cited by Women's Health and Genetics/Laboratory Corporation of America, LabCorp); PubMed 21067377 (cited by Women's Health and Genetics/Laboratory Corporation of America, LabCorp); PubMed 22291079 (cited by Women's Health and Genetics/Laboratory Corporation of America, LabCorp); PubMed 21967546 (cited by Women's Health and Genetics/Laboratory Corporation of America, LabCorp); PubMed 22124213 (cited by Women's Health and Genetics/Laboratory Corporation of America, LabCorp); PubMed 22417203 (cited by Women's Health and Genetics/Laboratory Corporation of America, LabCorp); PubMed 27733013 (cited by Women's Health and Genetics/Laboratory Corporation of America, LabCorp); PubMed 27636998 (cited by Women's Health and Genetics/Laboratory Corporation of America, LabCorp); PubMed 22289988 (cited by Women's Health and Genetics/Laboratory Corporation of America, LabCorp); PubMed 21537334 (cited by Women's Health and Genetics/Laboratory Corporation of America, LabCorp); PubMed 21670448 (cited by Women's Health and Genetics/Laboratory Corporation of America, LabCorp); PubMed 24936645 (cited by Women's Health and Genetics/Laboratory Corporation of America, LabCorp); PubMed 21415852 (cited by Women's Health and Genetics/Laboratory Corporation of America, LabCorp); PubMed 22722750 (cited by Women's Health and Genetics/Laboratory Corporation of America, LabCorp); PubMed 22216861 (cited by Women's Health and Genetics/Laboratory Corporation of America, LabCorp); PubMed 27418649 (cited by Women's Health and Genetics/Laboratory Corporation of America, LabCorp); PubMed 25281355 (cited by Women's Health and Genetics/Laboratory Corporation of America, LabCorp); PubMed 27276561 (cited by Women's Health and Genetics/Laboratory Corporation of America, LabCorp).